The following is an entry in ClinVar:

NM_144573.4(NEXN):c.399G>A (p.Met133Ile)

Genes: NEXN (nexilin F-actin binding protein; plus strand), LOC126805765 (BRD4-independent group 4 enhancer GRCh37_chr1:78383688-78384887; plus strand). Cytogenetic location: 1p31.1.
Variant type: single nucleotide variant.
Coding change: c.399G>A on transcript NM_144573.4 (MANE Select); coding-DNA position 399, G replaced by A.
Protein change: p.Met133Ile; replaces methionine 133 with isoleucine.
Molecular consequence: missense variant.
Genome position (GRCh38, 1-based): chr1:77,918,225, G>A. VCF-style: chr1-77918225-G-A. GRCh37 (hg19) VCF-style: chr1-78383910-G-A.
Other names: c.207G>A, p.Met69Ile (NM_001172309.2); short protein forms M133I, M69I.
Identifiers: ClinVar variation 1736826 (VCV001736826.2), dbSNP rs1365825267, ClinGen allele CA340887010.
Genomic context (GRCh38, chr1:77,918,225, plus strand): 5'-ACAAGAGGAACAAAGGAAGAGAACGGAGGAGGAACGAAAACGCAGAATTGAGCAGGATAT[G>A]TTAGAAAAGAGGAAAATACAGCGTGAATTAGCAAAAAGGGCTGAACAGGTATCACTGAAG-3'
Protein context (NP_653174.3, residues 123-143): EERKRRIEQD[Met133Ile]LEKRKIQREL

ClinVar aggregate classification (germline): Uncertain significance (1 of 4 stars; one submission).

Conditions:
Cardiovascular phenotype. Identifiers: MedGen CN230736.

Allele frequency attached by ClinVar (database versions not stated): TOPMed below 0.00001.

Submission:

Ambry Genetics
Classification: Uncertain significance for Cardiovascular phenotype. Last evaluated: 2022-02-17. Review status: criteria provided, single submitter. Criteria: Ambry Variant Classification Scheme 2023. Collection method: clinical testing. Allele origin: germline.
Comment: The p.M133I variant (also known as c.399G>A), located in coding exon 4 of the NEXN gene, results from a G to A substitution at nucleotide position 399. The methionine at codon 133 is replaced by isoleucine, an amino acid with highly similar properties. This amino acid position is conserved. In addition, this alteration is predicted to be tolerated by in silico analysis. Since supporting evidence is limited at this time, the clinical significance of this alteration remains unclear.